The following is an entry in ClinVar:

NM_000059.4(BRCA2):c.7596C>T (p.Pro2532=)

Gene: BRCA2 (BRCA2 DNA repair associated; plus strand). Cytogenetic location: 13q13.1.
Variant type: single nucleotide variant.
Coding change: c.7596C>T on transcript NM_000059.4 (MANE Select); coding-DNA position 7596, C replaced by T.
Protein change: p.Pro2532=; no amino-acid change (proline 2532 retained).
Molecular consequence: synonymous variant.
Genome position (GRCh38, 1-based): chr13:32,356,588, C>T. VCF-style: chr13-32356588-C-T. GRCh37 (hg19) VCF-style: chr13-32930725-C-T.
Identifiers: ClinVar variation 184502 (VCV000184502.51), dbSNP rs748631472, ClinGen allele CA025171.

ClinVar aggregate classification (germline): Likely benign. Review status: reviewed by expert panel (3 of 4 stars). 11 submissions from 11 submitters: Likely benign (1). 10 of the submissions do not count toward it. Last evaluated 2017-06-29.

Conditions:
Hereditary cancer-predisposing syndrome. Also called: Tumor predisposition; Neoplastic Syndromes, Hereditary; Hereditary Cancer Syndrome; Hereditary neoplastic syndrome. Identifiers: Orphanet 140162, MedGen C0027672, MeSH D009386, MONDO:0015356.
Hereditary breast ovarian cancer syndrome. Also called: Hereditary breast and ovarian cancer; Hereditary breast and ovarian cancer syndrome (HBOC); Breast and ovarian cancer; Hereditary breast and/or ovarian cancer syndrome; BRCA1- and BRCA2-Associated Hereditary Breast and Ovarian Cancer; Hereditary breast and ovarian cancer syndrome. Identifiers: Orphanet 145, MedGen C0677776, MeSH D061325, MONDO:0003582. Disease mechanism: loss of function.
Breast-ovarian cancer, familial, susceptibility to, 2 (BROVCA2). Also called: BRCA2 Hereditary Breast and Ovarian Cancer. Identifiers: Orphanet 145, MedGen C2675520, MONDO:0012933, OMIM 612555. Disease mechanism: loss of function.

Allele frequency attached by ClinVar (database versions not stated): TOPMed 0.00001; ExAC 0.00002; gnomAD exomes 0.00003.
gnomAD v4.1: 18 of 1,614,216 alleles (0.0011%); highest among the groups gnomAD compares: Admixed American, 0.0067%; no homozygotes.

Submissions (11):

Evidence-based Network for the Interpretation of Germline Mutant Alleles (ENIGMA)
Classification: Likely benign for Breast-ovarian cancer, familial, susceptibility to, 2. Last evaluated: 2017-06-29. Review status: reviewed by expert panel. Criteria: ENIGMA BRCA1/2 Classification Criteria (2017-06-29). Collection method: curation. Allele origin: germline.
Comment: Synonymous substitution variant, with low bioinformatic likelihood to result in a splicing aberration (Splicing prior probability 0.02).

Labcorp Genetics (formerly Invitae), Labcorp
Classification: Benign for Hereditary breast ovarian cancer syndrome. Last evaluated: 2025-11-23. Review status: criteria provided, single submitter. Criteria: Invitae Variant Classification Sherloc (09022015). Collection method: clinical testing. Allele origin: germline. Not counted in ClinVar's aggregate classification.

CeGaT Center for Human Genetics Tuebingen
Classification: Likely benign. Last evaluated: 2025-11-01. Review status: criteria provided, single submitter. Criteria: CeGaT Center For Human Genetics Tuebingen Variant Classification Criteria Version 2. Collection method: clinical testing. Allele origin: germline. Affected: yes. Observed: 4 variant alleles. Not counted in ClinVar's aggregate classification.
Comment: BRCA2: BP4, BP7

Quest Diagnostics Nichols Institute San Juan Capistrano
Classification: Likely benign. Last evaluated: 2023-08-30. Review status: criteria provided, single submitter. Criteria: Quest Diagnostics criteria. Collection method: clinical testing. Allele origin: unknown. Not counted in ClinVar's aggregate classification.

Sema4
Classification: Likely benign for Hereditary cancer-predisposing syndrome. Last evaluated: 2021-07-21. Review status: criteria provided, single submitter. Criteria: Sema4 Curation Guidelines. Collection method: curation. Allele origin: germline. Not counted in ClinVar's aggregate classification.

Women's Health and Genetics/Laboratory Corporation of America, LabCorp
Classification: Likely benign. Last evaluated: 2019-08-21. Review status: criteria provided, single submitter. Criteria: LabCorp Variant Classification Summary - May 2015. Collection method: clinical testing. Allele origin: germline. Not counted in ClinVar's aggregate classification.

PreventionGenetics, part of Exact Sciences
Classification: Likely benign. Last evaluated: 2017-06-21. Review status: criteria provided, single submitter. Criteria: ACMG Guidelines, 2015. Collection method: clinical testing. Allele origin: germline. Not counted in ClinVar's aggregate classification.

Color Diagnostics, LLC DBA Color Health
Classification: Likely benign for Hereditary cancer-predisposing syndrome. Last evaluated: 2017-05-04. Review status: criteria provided, single submitter. Criteria: ACMG Guidelines, 2015. Collection method: clinical testing. Allele origin: germline. Not counted in ClinVar's aggregate classification.

GeneDx
Classification: Benign. Last evaluated: 2015-09-12. Review status: criteria provided, single submitter. Criteria: GeneDx Variant Classification Process June 2021. Collection method: clinical testing. Allele origin: germline. Affected: yes. Not counted in ClinVar's aggregate classification.
Comment: This variant is associated with the following publications: (PMID: 12655560)

Ambry Genetics
Classification: Likely benign for Hereditary cancer-predisposing syndrome. Last evaluated: 2015-03-11. Review status: criteria provided, single submitter. Criteria: Ambry Variant Classification Scheme 2023. Collection method: clinical testing. Allele origin: germline. Not counted in ClinVar's aggregate classification.

Counsyl
Classification: Likely benign for Breast-ovarian cancer, familial, susceptibility to, 2. Last evaluated: 2016-08-16. Review status: no assertion criteria provided. Collection method: clinical testing. Allele origin: unknown. Not counted in ClinVar's aggregate classification.

Literature cited by the submitters: PubMed 12655560 (cited by Quest Diagnostics Nichols Institute San Juan Capistrano and Counsyl); PubMed 21156238 (cited by Quest Diagnostics Nichols Institute San Juan Capistrano); PubMed 32599251 (cited by Quest Diagnostics Nichols Institute San Juan Capistrano); PubMed 16939956 (cited by Quest Diagnostics Nichols Institute San Juan Capistrano).